The following is an entry in ClinVar:

NM_001184880.2(PCDH19):c.1276C>T (p.Arg426Cys)

Gene: PCDH19 (protocadherin 19; minus strand). Cytogenetic location: Xq22.1.
Variant type: single nucleotide variant.
Coding change: c.1276C>T on transcript NM_001184880.2 (MANE Select); coding-DNA position 1276, C replaced by T.
Protein change: p.Arg426Cys; replaces arginine 426 with cysteine.
Molecular consequence: missense variant.
Genome position (GRCh38, 1-based): chrX:100,407,322, G>A on the plus strand (C>T on the coding strand, the complement: PCDH19 is on the minus strand). VCF-style: chrX-100407322-G-A. GRCh37 (hg19) VCF-style: chrX-99662320-G-A.
Other names: c.1276C>T, p.Arg426Cys (NM_001105243.2, NM_020766.3); short protein forms R426C.
Identifiers: ClinVar variation 1000065 (VCV001000065.14), dbSNP rs1928399359, ClinGen allele CA414003285.

ClinVar aggregate classification (germline): Uncertain significance. Review status: criteria provided, multiple submitters, no conflicts (2 of 4 stars). 2 submissions from 2 submitters: Uncertain significance (2). Last evaluated 2023-12-01.

Conditions:
Developmental and epileptic encephalopathy, 9 (DEE9). Also called: Early infantile epileptic encephalopathy 9; PCDH19-Related X-Linked Female-Limited Epilepsy with Mental Retardation; EPILEPSY, FEMALE-RESTRICTED, WITH MENTAL RETARDATION; JUBERG-HELLMAN SYNDROME. Identifiers: Orphanet 101039, Orphanet 2076, MedGen C1848137, MONDO:0010246, OMIM 300088. Disease mechanism: loss of function.

Allele frequency attached by ClinVar (database versions not stated): gnomAD exomes 0.00001.
gnomAD v4.1: 6 of 1,212,381 alleles (0.00049%); highest among the groups gnomAD compares: African/African-American, 0.0017%; no homozygotes.

Submissions (2):

Labcorp Genetics (formerly Invitae), Labcorp
Classification: Uncertain significance for Developmental and epileptic encephalopathy, 9. Last evaluated: 2023-12-01. Review status: criteria provided, single submitter. Criteria: Invitae Variant Classification Sherloc (09022015). Collection method: clinical testing. Allele origin: germline.
Comment: This sequence change replaces arginine, which is basic and polar, with cysteine, which is neutral and slightly polar, at codon 426 of the PCDH19 protein (p.Arg426Cys). This variant is not present in population databases (gnomAD no frequency). This variant has not been reported in the literature in individuals affected with PCDH19-related conditions. ClinVar contains an entry for this variant (Variation ID: 1000065). Advanced modeling of protein sequence and biophysical properties (such as structural, functional, and spatial information, amino acid conservation, physicochemical variation, residue mobility, and thermodynamic stability) performed at Invitae indicates that this missense variant is expected to disrupt PCDH19 protein function with a positive predictive value of 80%. In summary, the available evidence is currently insufficient to determine the role of this variant in disease. Therefore, it has been classified as a Variant of Uncertain Significance.

GeneDx
Classification: Uncertain significance. Last evaluated: 2021-12-06. Review status: criteria provided, single submitter. Criteria: GeneDx Variant Classification Process June 2021. Collection method: clinical testing. Allele origin: germline. Affected: yes.
Comment: Not observed at significant frequency in large population cohorts (gnomAD); Missense variants in this gene are often considered pathogenic (HGMD); In silico analysis supports that this missense variant has a deleterious effect on protein structure/function; Has not been previously published as pathogenic or benign to our knowledge